The following is an entry in ClinVar:

NM_001164508.2(NEB):c.24137G>A (p.Gly8046Glu)

Genes: NEB (nebulin; minus strand), RIF1 (replication timing regulatory factor 1; plus strand). Cytogenetic location: 2q23.3.
Variant type: single nucleotide variant.
Coding change: c.24137G>A on transcript NM_001164508.2 (MANE Select); coding-DNA position 24137, G replaced by A.
Protein change: p.Gly8046Glu; replaces glycine 8046 with glutamic acid.
Molecular consequence: missense variant. On other transcripts: intron variant (1).
Genome position (GRCh38, 1-based): chr2:151,498,330, C>T on the plus strand (G>A on the coding strand, the complement: NEB is on the minus strand). VCF-style: chr2-151498330-C-T. GRCh37 (hg19) VCF-style: chr2-152354844-C-T.
Other names: c.24242G>A, p.Gly8081Glu (NM_001271208.2); c.18826-1962G>A (NM_004543.5); c.24137G>A, p.Gly8046Glu (NM_001164507.2); short protein forms G8046E, G8081E.
Identifiers: ClinVar variation 1698237 (VCV001698237.7), dbSNP rs766357828, ClinGen allele CA57669488.

ClinVar aggregate classification (germline): Conflicting classifications of pathogenicity. Review status: criteria provided, conflicting classifications (1 of 4 stars). 2 submissions from 2 submitters: Uncertain significance (1); Likely benign (1). Last evaluated 2023-08-25.

Conditions:
Nemaline myopathy 2 (NEM2). Also called: Nemaline myopathy 2, autosomal recessive. Identifiers: MedGen C1850569, MONDO:0009725, OMIM 256030.

Allele frequency attached by ClinVar (database versions not stated): gnomAD exomes 0.00001; gnomAD 0.00002; TOPMed 0.00002.
gnomAD v4.1: 23 of 1,550,766 alleles (0.0015%); highest among the groups gnomAD compares: Non-Finnish European, 0.0017%; no homozygotes.

Submissions (2):

Labcorp Genetics (formerly Invitae), Labcorp
Classification: Likely benign for Nemaline myopathy 2. Last evaluated: 2023-08-25. Review status: criteria provided, single submitter. Criteria: Invitae Variant Classification Sherloc (09022015). Collection method: clinical testing. Allele origin: germline.

GeneDx
Classification: Uncertain significance. Last evaluated: 2022-01-18. Review status: criteria provided, single submitter. Criteria: GeneDx Variant Classification Process June 2021. Collection method: clinical testing. Allele origin: germline. Affected: yes.
Comment: Not observed at significant frequency in large population cohorts (gnomAD); In silico analysis supports that this missense variant does not alter protein structure/function; Has not been previously published as pathogenic or benign to our knowledge